The following is an entry in ClinVar:

NM_001846.4(COL4A2):c.2132G>A (p.Gly711Glu)

Gene: COL4A2 (collagen type IV alpha 2 chain; plus strand). Cytogenetic location: 13q34.
Variant type: single nucleotide variant.
Coding change: c.2132G>A on transcript NM_001846.4 (MANE Select); coding-DNA position 2132, G replaced by A.
Protein change: p.Gly711Glu; replaces glycine 711 with glutamic acid.
Molecular consequence: missense variant.
Genome position (GRCh38, 1-based): chr13:110,469,253, G>A. VCF-style: chr13-110469253-G-A. GRCh37 (hg19) VCF-style: chr13-111121600-G-A.
Other names: short protein forms G711E.
Identifiers: ClinVar variation 982734 (VCV000982734.2), dbSNP rs1199170231, ClinGen allele CA388740794.

ClinVar aggregate classification (germline): Conflicting classifications of pathogenicity. Review status: criteria provided, conflicting classifications (1 of 4 stars). 2 submissions from 2 submitters: Likely pathogenic (1); Uncertain significance (1). Last evaluated 2025-11-12.

Conditions:
Brain small vessel disease 2A, autosomal dominant. Also called: Porencephaly 2. Identifiers: Orphanet 2940, Orphanet 99810, MedGen C3280970, MONDO:0013773, OMIM 614483.

Allele frequency attached by ClinVar (database versions not stated): gnomAD exomes below 0.00001; TOPMed below 0.00001.

Submissions (2):

Clinical Genomics Laboratory, Washington University in St. Louis
Classification: Likely pathogenic for Brain small vessel disease 2A, autosomal dominant. Last evaluated: 2025-11-12. Review status: criteria provided, single submitter. Criteria: ACMG Guidelines, 2015. Collection method: clinical testing. Allele origin: germline. Affected: yes.
Comment: The COL4A2 c.2132G>A (p.Gly711Glu) variant, to our knowledge, has not been reported in the medical literature but has been reported in the ClinVar database as a germline variant of uncertain significance by one submitter. This variant is only observed on 4/1,603,406 alleles in the general population (gnomAD v4.1.0), indicating it is not a common variant. This variant removes a glycine residue in a repeating Gly-X-Y amino acid sequence of COL4A2 that is defined as critical for the structure of the collagen (Richards AJ et al., PMID: 35885981), and computational predictors indicate that the variant is damaging, evidence that correlates with impact to COL4A2 function. Additionally, the analogous variant, c.2132G>A (p.Gly711Glu), in the COL4A1 gene has been detected occurring de novo in an individual with arterial ischemic stroke (Grossi A et al., PMID: 32818659). Based on available information and the ACMG/AMP guidelines for variant interpretation (Richards S et al., PMID: 25741868), this variant is classified as likely pathogenic.

Institute of Human Genetics, University of Leipzig Medical Center
Classification: Uncertain significance for Brain small vessel disease 2A, autosomal dominant. Last evaluated: 2019-01-01. Review status: criteria provided, single submitter. Criteria: ACMG Guidelines, 2015. Collection method: clinical testing. Allele origin: unknown. Affected: yes.